The following is an entry in ClinVar:

NM_007294.4(BRCA1):c.1000C>A (p.Pro334Thr)

Gene: BRCA1 (BRCA1 DNA repair associated; minus strand). Cytogenetic location: 17q21.31.
Variant type: single nucleotide variant.
Coding change: c.1000C>A on transcript NM_007294.4 (MANE Select); coding-DNA position 1000, C replaced by A.
Protein change: p.Pro334Thr; replaces proline 334 with threonine.
Molecular consequence: missense variant. On other transcripts: intron variant (137).
Genome position (GRCh38, 1-based): chr17:43,094,531, G>T on the plus strand (C>A on the coding strand, the complement: BRCA1 is on the minus strand). VCF-style: chr17-43094531-G-T. GRCh37 (hg19) VCF-style: chr17-41246548-G-T.
Other names: c.859C>A, p.Pro287Thr (NM_001407724.1, NM_001407728.1, NM_001407725.1 and 29 more transcripts); c.619C>A, p.Pro207Thr (NM_001407960.1, NM_001407963.1, NM_001407959.1); c.616C>A, p.Pro206Thr (NM_001407962.1); c.856C>A, p.Pro286Thr (NM_001407964.1, NM_001407740.1, NM_001407741.1 and 20 more transcripts); c.496C>A, p.Pro166Thr (NM_001407965.1); c.112C>A, p.Pro38Thr (NM_001407966.1, NM_001407967.1); c.1000C>A, p.Pro334Thr (NM_007300.4, NM_001407581.1, NM_001407582.1 and 30 more transcripts); c.646+213C>A (NM_001408458.1, NM_001408469.1, NM_001408453.1 and 11 more transcripts); and 40 more; short protein forms P334T, P287T, P223T, P245T, P246T, P267T, P293T, P331T.
Identifiers: ClinVar variation 531405 (VCV000531405.18), dbSNP rs1555592700, ClinGen allele CA10600062.

ClinVar aggregate classification (germline): Conflicting classifications of pathogenicity. Review status: criteria provided, conflicting classifications (1 of 4 stars). 4 submissions from 4 submitters: Uncertain significance (3); Likely benign (1). Last evaluated 2025-05-31.

Conditions:
Hereditary cancer-predisposing syndrome. Also called: Hereditary neoplastic syndrome; Neoplastic Syndromes, Hereditary; Tumor predisposition; Hereditary Cancer Syndrome. Identifiers: Orphanet 140162, MedGen C0027672, MeSH D009386, MONDO:0015356.
Hereditary breast ovarian cancer syndrome. Also called: Hereditary breast and ovarian cancer syndrome (HBOC); BRCA1- and BRCA2-Associated Hereditary Breast and Ovarian Cancer; Hereditary breast and ovarian cancer syndrome; Breast and ovarian cancer; Hereditary breast and ovarian cancer; Hereditary breast and/or ovarian cancer syndrome. Identifiers: Orphanet 145, MedGen C0677776, MeSH D061325, MONDO:0003582. Disease mechanism: loss of function.

Submissions (4):

Color Diagnostics, LLC DBA Color Health
Classification: Uncertain significance for Hereditary cancer-predisposing syndrome. Last evaluated: 2025-05-31. Review status: criteria provided, single submitter. Criteria: ACMG Guidelines, 2015. Collection method: clinical testing. Allele origin: germline.
Comment: This missense variant replaces proline with threonine at codon 334 of the BRCA1 protein. Computational prediction is inconclusive regarding the impact of this variant on protein structure and function. To our knowledge, functional studies have not been reported for this variant. This variant has not been reported in individuals affected with BRCA1-related disorders in the literature. This variant has not been identified in the general population by the Genome Aggregation Database (gnomAD). The available evidence is insufficient to determine the role of this variant in disease conclusively. Therefore, this variant is classified as a Variant of Uncertain Significance.

Labcorp Genetics (formerly Invitae), Labcorp
Classification: Uncertain significance for Hereditary breast ovarian cancer syndrome. Last evaluated: 2024-02-12. Review status: criteria provided, single submitter. Criteria: Invitae Variant Classification Sherloc (09022015). Collection method: clinical testing. Allele origin: germline.
Comment: This sequence change replaces proline, which is neutral and non-polar, with threonine, which is neutral and polar, at codon 334 of the BRCA1 protein (p.Pro334Thr). This variant is not present in population databases (gnomAD no frequency). This variant has not been reported in the literature in individuals affected with BRCA1-related conditions. ClinVar contains an entry for this variant (Variation ID: 531405). Advanced modeling of protein sequence and biophysical properties (such as structural, functional, and spatial information, amino acid conservation, physicochemical variation, residue mobility, and thermodynamic stability) performed at Invitae indicates that this missense variant is not expected to disrupt BRCA1 protein function with a negative predictive value of 95%. In summary, the available evidence is currently insufficient to determine the role of this variant in disease. Therefore, it has been classified as a Variant of Uncertain Significance.

University of Washington Department of Laboratory Medicine, University of Washington
Classification: Likely benign for Hereditary cancer-predisposing syndrome. Last evaluated: 2023-03-23. Review status: criteria provided, single submitter. Criteria: Dines et al. (Genet Med. 2020). Collection method: curation. Allele origin: germline.
Comment: Missense variant in a coldspot region where missense variants are very unlikely to be pathogenic (PMID:31911673).

BRCA1 coldspot (exon 11 using historical exon numbering). Reclassification based on statistical prior probability

Ambry Genetics
Classification: Uncertain significance for Hereditary cancer-predisposing syndrome. Last evaluated: 2023-02-03. Review status: criteria provided, single submitter. Criteria: Ambry Variant Classification Scheme 2023. Collection method: clinical testing. Allele origin: germline.
Comment: The p.P334T variant (also known as c.1000C>A), located in coding exon 9 of the BRCA1 gene, results from a C to A substitution at nucleotide position 1000. The proline at codon 334 is replaced by threonine, an amino acid with highly similar properties. This amino acid position is not well conserved in available vertebrate species. In addition, the in silico prediction for this alteration is inconclusive. Since supporting evidence is limited at this time, the clinical significance of this alteration remains unclear.